The following is an entry in ClinVar:

NM_133642.5(LARGE1):c.2074G>T (p.Glu692Ter)

Gene: LARGE1 (LARGE xylosyl- and glucuronyltransferase 1; minus strand). Cytogenetic location: 22q12.3.
Variant type: single nucleotide variant.
Coding change: c.2074G>T on transcript NM_133642.5 (MANE Select); coding-DNA position 2074, G replaced by T.
Protein change: p.Glu692Ter; replaces glutamic acid 692 with a stop codon.
Molecular consequence: nonsense.
Genome position (GRCh38, 1-based): chr22:33,274,624, C>A on the plus strand (G>T on the coding strand, the complement: LARGE1 is on the minus strand). VCF-style: chr22-33274624-C-A. GRCh37 (hg19) VCF-style: chr22-33670610-C-A.
Other names: c.2074G>T, p.Glu692Ter (NM_001362949.2, NM_001362951.2, NM_001362953.2 and 4 more transcripts); c.1927G>T, p.Glu643Ter (NM_001378627.1, NM_001378628.1); c.1918G>T, p.Glu640Ter (NM_001378629.1); c.1471G>T, p.Glu491Ter (NM_001378630.1); c.1168G>T, p.Glu390Ter (NM_001378631.1); short protein forms E390*, E692*, E643*, E491*, E640*.
Identifiers: ClinVar variation 3727806 (VCV003727806.2).

ClinVar aggregate classification (germline): Uncertain significance (1 of 4 stars; one submission).

Conditions:
Muscular dystrophy-dystroglycanopathy type B6 (MDDGB6). Also called: MUSCULAR DYSTROPHY-DYSTROGLYCANOPATHY (CONGENITAL WITH IMPAIRED INTELLECTUAL DEVELOPMENT), TYPE B, 6; MUSCULAR DYSTROPHY, CONGENITAL, LARGE-RELATED; MUSCULAR DYSTROPHY, CONGENITAL, TYPE 1D. Identifiers: MedGen C1837229, MONDO:0012138, OMIM 608840.

gnomAD v4.1: 1 of 1,614,016 alleles (0.000062%); highest among the groups gnomAD compares: Non-Finnish European, 0.000085%; no homozygotes.

Submission:

Labcorp Genetics (formerly Invitae), Labcorp
Classification: Uncertain significance for Muscular dystrophy-dystroglycanopathy type B6. Last evaluated: 2024-12-23. Review status: criteria provided, single submitter. Criteria: Invitae Variant Classification Sherloc (09022015). Collection method: clinical testing. Allele origin: germline.
Comment: This sequence change creates a premature translational stop signal (p.Glu692*) in the LARGE1 gene. While this is not anticipated to result in nonsense mediated decay, it is expected to disrupt the last 65 amino acid(s) of the LARGE1 protein. This variant is not present in population databases (gnomAD no frequency). This variant has not been reported in the literature in individuals affected with LARGE1-related conditions. Algorithms developed to predict the effect of sequence changes on RNA splicing suggest that this variant may create or strengthen a splice site. This variant disrupts a region of the LARGE1 protein in which other variant(s) (p.Glu694_Tyr702delinsAsp) have been observed in individuals with LARGE1-related conditions (internal data). This suggests that this is a clinically significant region of the protein, and that variants that disrupt it are likely to be disease-causing. In summary, the available evidence is currently insufficient to determine the role of this variant in disease. Therefore, it has been classified as a Variant of Uncertain Significance.